The following is an entry in ClinVar:

NM_003560.4(PLA2G6):c.562A>C (p.Thr188Pro)

Gene: PLA2G6 (phospholipase A2 group VI; minus strand). Cytogenetic location: 22q13.1.
Variant type: single nucleotide variant.
Coding change: c.562A>C on transcript NM_003560.4 (MANE Select); coding-DNA position 562, A replaced by C.
Protein change: p.Thr188Pro; replaces threonine 188 with proline.
Molecular consequence: missense variant.
Genome position (GRCh38, 1-based): chr22:38,143,152, T>G on the plus strand (A>C on the coding strand, the complement: PLA2G6 is on the minus strand). VCF-style: chr22-38143152-T-G. GRCh37 (hg19) VCF-style: chr22-38539159-T-G.
Other names: c.562A>C, p.Thr188Pro (NM_001004426.3, NM_001199562.3, NM_001349864.2 and 2 more transcripts); c.28A>C, p.Thr10Pro (NM_001349867.2, NM_001349869.2); c.72A>C, p.Arg24Ser (NM_001349868.2); short protein forms R24S, T10P, T188P.
Identifiers: ClinVar variation 3769933 (VCV003769933.1).

ClinVar aggregate classification (germline): Uncertain significance (1 of 4 stars; one submission).

gnomAD v4.1: 2 of 1,614,170 alleles (0.00012%); highest among the groups gnomAD compares: Non-Finnish European, 0.000085%; no homozygotes.

Submission:

GeneDx
Classification: Uncertain significance. Last evaluated: 2024-09-12. Review status: criteria provided, single submitter. Criteria: GeneDx Variant Classification Process June 2021. Collection method: clinical testing. Allele origin: germline. Affected: yes.
Comment: Not observed at significant frequency in large population cohorts (gnomAD); In silico analysis supports that this missense variant has a deleterious effect on protein structure/function; Has not been previously published as pathogenic or benign to our knowledge